The following is an entry in ClinVar:

NM_001041.4(SI):c.1712A>G (p.Glu571Gly)

Gene: SI (sucrase-isomaltase; minus strand). Cytogenetic location: 3q26.1.
Variant type: single nucleotide variant.
Coding change: c.1712A>G on transcript NM_001041.4 (MANE Select); coding-DNA position 1712, A replaced by G.
Protein change: p.Glu571Gly; replaces glutamic acid 571 with glycine.
Molecular consequence: missense variant.
Genome position (GRCh38, 1-based): chr3:165,049,130, T>C on the plus strand (A>G on the coding strand, the complement: SI is on the minus strand). VCF-style: chr3-165049130-T-C. GRCh37 (hg19) VCF-style: chr3-164766918-T-C.
Other names: short protein forms E571G.
Identifiers: ClinVar variation 1498720 (VCV001498720.5), dbSNP rs754623301, ClinGen allele CA2690979.

ClinVar aggregate classification (germline): Uncertain significance (1 of 4 stars; one submission).

Allele frequency attached by ClinVar (database versions not stated): gnomAD exomes below 0.00001 and 0.00001; ExAC 0.00001; gnomAD 0.00001; TOPMed 0.00001.
gnomAD v4.1: 8 of 1,524,708 alleles (0.00052%); highest among the groups gnomAD compares: African/African-American, 0.0027%; no homozygotes.

Submission:

Labcorp Genetics (formerly Invitae), Labcorp
Classification: Uncertain significance. Last evaluated: 2022-08-05. Review status: criteria provided, single submitter. Criteria: Invitae Variant Classification Sherloc (09022015). Collection method: clinical testing. Allele origin: germline.
Comment: This sequence change replaces glutamic acid, which is acidic and polar, with glycine, which is neutral and non-polar, at codon 571 of the SI protein (p.Glu571Gly). This variant is present in population databases (rs754623301, gnomAD 0.007%). This variant has not been reported in the literature in individuals affected with SI-related conditions. ClinVar contains an entry for this variant (Variation ID: 1498720). Algorithms developed to predict the effect of missense changes on protein structure and function are either unavailable or do not agree on the potential impact of this missense change (SIFT: "Deleterious"; PolyPhen-2: "Benign"; Align-GVGD: "Class C0"). Algorithms developed to predict the effect of sequence changes on RNA splicing suggest that this variant may disrupt the consensus splice site. In summary, the available evidence is currently insufficient to determine the role of this variant in disease. Therefore, it has been classified as a Variant of Uncertain Significance.